The following is an entry in ClinVar:

NM_002890.3(RASA1):c.323C>G (p.Ala108Gly)

Gene: RASA1 (RAS p21 protein activator 1; plus strand). Cytogenetic location: 5q14.3.
Variant type: single nucleotide variant.
Coding change: c.323C>G on transcript NM_002890.3 (MANE Select); coding-DNA position 323, C replaced by G.
Protein change: p.Ala108Gly; replaces alanine 108 with glycine.
Molecular consequence: missense variant.
Genome position (GRCh38, 1-based): chr5:87,268,774, C>G. VCF-style: chr5-87268774-C-G. GRCh37 (hg19) VCF-style: chr5-86564591-C-G.
Other names: short protein forms A108G.
Identifiers: ClinVar variation 4703217 (VCV004703217.1).

ClinVar aggregate classification (germline): Uncertain significance (1 of 4 stars; one submission).

Conditions:
Capillary malformation-arteriovenous malformation syndrome. Also called: Capillary malformation-arteriovenous malformation. Identifiers: Orphanet 137667, MedGen C1842180, MONDO:0012016.

Submission:

Labcorp Genetics (formerly Invitae), Labcorp
Classification: Uncertain significance for Capillary malformation-arteriovenous malformation syndrome. Last evaluated: 2025-11-09. Review status: criteria provided, single submitter. Criteria: Invitae Variant Classification Sherloc (09022015). Collection method: clinical testing. Allele origin: germline.
Comment: This sequence change replaces alanine, which is neutral and non-polar, with glycine, which is neutral and non-polar, at codon 108 of the RASA1 protein (p.Ala108Gly). This variant is not present in population databases (gnomAD no frequency). This variant has not been reported in the literature in individuals affected with RASA1-related conditions. An algorithm developed to predict the effect of missense changes on protein structure and function (PolyPhen-2) suggests that this variant is likely to be tolerated. In summary, the available evidence is currently insufficient to determine the role of this variant in disease. Therefore, it has been classified as a Variant of Uncertain Significance.